The following is an entry in ClinVar:

ClinVar aggregate classification (germline): Uncertain significance. Review status: criteria provided, multiple submitters, no conflicts (2 of 4 stars). 4 submissions from 4 submitters: Uncertain significance (3). 1 of the submissions does not count toward it. Last evaluated 2025-02-01.

Conditions:
Inborn genetic diseases. Identifiers: MedGen C0950123, MeSH D030342.

Allele frequency attached by ClinVar (database versions not stated): TOPMed below 0.00001; gnomAD 0.00001; ExAC 0.00003; gnomAD exomes 0.00004.
gnomAD v4.1: 55 of 1,612,964 alleles (0.0034%); highest among the groups gnomAD compares: Non-Finnish European, 0.0046%; no homozygotes.

Submissions (4):

CeGaT Center for Human Genetics Tuebingen
Classification: Uncertain significance. Last evaluated: 2025-02-01. Review status: criteria provided, single submitter. Criteria: CeGaT Center For Human Genetics Tuebingen Variant Classification Criteria Version 2. Collection method: clinical testing. Allele origin: germline. Affected: yes. Observed: 1 variant allele.
Comment: NLRP1: PM2, BP4

Labcorp Genetics (formerly Invitae), Labcorp
Classification: Uncertain significance. Last evaluated: 2023-10-30. Review status: criteria provided, single submitter. Criteria: Invitae Variant Classification Sherloc (09022015). Collection method: clinical testing. Allele origin: germline.
Comment: This sequence change replaces leucine, which is neutral and non-polar, with isoleucine, which is neutral and non-polar, at codon 1193 of the NLRP1 protein (p.Leu1193Ile). This variant is present in population databases (rs200259296, gnomAD 0.007%). This variant has not been reported in the literature in individuals affected with NLRP1-related conditions. ClinVar contains an entry for this variant (Variation ID: 1049078). An algorithm developed to predict the effect of missense changes on protein structure and function (PolyPhen-2) suggests that this variant is likely to be disruptive. In summary, the available evidence is currently insufficient to determine the role of this variant in disease. Therefore, it has been classified as a Variant of Uncertain Significance.

Ambry Genetics
Classification: Uncertain significance for Inborn genetic diseases. Last evaluated: 2021-08-02. Review status: criteria provided, single submitter. Criteria: Ambry Variant Classification Scheme 2023. Collection method: clinical testing. Allele origin: germline.

Department of Pathology and Laboratory Medicine, Sinai Health System
Classification: Uncertain significance. Review status: no assertion criteria provided. Collection method: clinical testing. Allele origin: unknown. Affected: yes. Study: The Canadian Open Genetics Repository (COGR). Not counted in ClinVar's aggregate classification.
Comment: The NLRP1 p.Leu1197Ile variant was not identified in the literature nor was it identified in ClinVar, Cosmic or LOVD 3.0. The variant was identified in dbSNP (ID: rs200259296) and in control databases in 11 of 282578 chromosomes at a frequency of 0.000039 (Genome Aggregation Database March 6, 2019, v2.1.1). The variant was observed in the following populations: European (non-Finnish) in 10 of 128984 chromosomes (freq: 0.000078) and Latino in 1 of 35418 chromosomes (freq: 0.000028), but was not observed in the African, Ashkenazi Jewish, East Asian, European (Finnish), Other and South Asian populations. The variant occurs outside of the splicing consensus sequence and in silico or computational prediction software programs (SpliceSiteFinder, MaxEntScan, NNSPLICE, GeneSplicer) do not predict a difference in splicing. The p.Leu1197 residue is not conserved in mammals and computational analyses (PolyPhen-2, SIFT, AlignGVGD, BLOSUM, MutationTaster) do not suggest a high likelihood of impact to the protein; however, this information is not predictive enough to rule out pathogenicity. In summary, based on the above information the clinical significance of this variant cannot be determined with certainty at this time. This variant is classified as a variant of uncertain significance.

NM_033004.4(NLRP1):c.3577C>A (p.Leu1193Ile)

Gene: NLRP1 (NLR family pyrin domain containing 1; minus strand). Cytogenetic location: 17p13.2.
Variant type: single nucleotide variant.
Coding change: c.3577C>A on transcript NM_033004.4 (MANE Select); coding-DNA position 3577, C replaced by A.
Protein change: p.Leu1193Ile; replaces leucine 1193 with isoleucine.
Molecular consequence: missense variant.
Genome position (GRCh38, 1-based): chr17:5,521,730, G>T on the plus strand (C>A on the coding strand, the complement: NLRP1 is on the minus strand). VCF-style: chr17-5521730-G-T. GRCh37 (hg19) VCF-style: chr17-5425050-G-T.
Other names: c.3577C>A (NM_033004.3); c.3589C>A, p.Leu1197Ile (NM_001033053.3); c.3577C>A, p.Leu1193Ile (NM_014922.5); c.3487C>A, p.Leu1163Ile (NM_033006.4, NM_033007.4); short protein forms L1163I, L1193I, L1197I.
Identifiers: ClinVar variation 1049078 (VCV001049078.20), dbSNP rs200259296, ClinGen allele CA8326785.